The following is an entry in ClinVar:

NM_004333.6(BRAF):c.1672C>T (p.Arg558Ter)

Gene: BRAF (B-Raf proto-oncogene, serine/threonine kinase; minus strand). Cytogenetic location: 7q34.
Variant type: single nucleotide variant.
Coding change: c.1672C>T on transcript NM_004333.6 (MANE Select); coding-DNA position 1672, C replaced by T.
Protein change: p.Arg558Ter; replaces arginine 558 with a stop codon.
Molecular consequence: nonsense.
Genome position (GRCh38, 1-based): chr7:140,776,934, G>A on the plus strand (C>T on the coding strand, the complement: BRAF is on the minus strand). VCF-style: chr7-140776934-G-A. GRCh37 (hg19) VCF-style: chr7-140476734-G-A.
Other names: c.1672C>T, p.Arg558Ter (NM_001354609.2, NM_001378468.1, NM_001378474.1); c.1792C>T, p.Arg598Ter (NM_001374244.1, NM_001374258.1); c.1681C>T, p.Arg561Ter (NM_001378467.1); c.1606C>T, p.Arg536Ter (NM_001378469.1); c.1570C>T, p.Arg524Ter (NM_001378470.1); c.1561C>T, p.Arg521Ter (NM_001378471.1); c.1516C>T, p.Arg506Ter (NM_001378472.1, NM_001378473.1); c.1408C>T, p.Arg470Ter (NM_001378475.1); short protein forms R558*, R506*, R521*, R470*, R536*, R598*, R524*, R561*.
Identifiers: ClinVar variation 2168167 (VCV002168167.4), dbSNP rs2129018212, ClinGen allele CA369587829.

ClinVar aggregate classification (germline): Uncertain significance (1 of 4 stars; one submission).

Conditions:
RASopathy. Also called: rasopathies; Noonan spectrum disorder. Identifiers: Orphanet 536391, MedGen C5555857, MONDO:0021060.

gnomAD v4.1: 1 of 1,613,064 alleles (0.000062%); no homozygotes.

Submission:

Labcorp Genetics (formerly Invitae), Labcorp
Classification: Uncertain significance for RASopathy. Last evaluated: 2022-09-23. Review status: criteria provided, single submitter. Criteria: Invitae Variant Classification Sherloc (09022015). Collection method: clinical testing. Allele origin: germline.
Comment: In summary, the available evidence is currently insufficient to determine the role of this variant in disease. Therefore, it has been classified as a Variant of Uncertain Significance. This variant has not been reported in the literature in individuals affected with BRAF-related conditions. This variant is not present in population databases (gnomAD no frequency). This sequence change creates a premature translational stop signal (p.Arg558*) in the BRAF gene. It is expected to result in an absent or disrupted protein product. However, the current clinical and genetic evidence is not sufficient to establish whether loss-of-function variants in BRAF cause disease.